The following is an entry in ClinVar:

NM_002458.3(MUC5B):c.5496G>A (p.Ala1832=)

Genes: MUC5B (mucin 5B, oligomeric mucus/gel-forming; plus strand), MUC5B-AS1 (MUC5B antisense RNA 1; minus strand). Cytogenetic location: 11p15.5.
Variant type: single nucleotide variant.
Coding change: c.5496G>A on transcript NM_002458.3 (MANE Select); coding-DNA position 5496, G replaced by A.
Protein change: p.Ala1832=; no amino-acid change (alanine 1832 retained).
Molecular consequence: synonymous variant. On other transcripts: non-coding transcript variant (1).
Genome position (GRCh38, 1-based): chr11:1,242,376, G>A. VCF-style: chr11-1242376-G-A. GRCh37 (hg19) VCF-style: chr11-1263606-G-A.
Identifiers: ClinVar variation 2641204 (VCV002641204.24), dbSNP rs369948177, ClinGen allele CA5805694.

ClinVar aggregate classification (germline): Likely benign (1 of 4 stars; one submission).

Allele frequency attached by ClinVar (database versions not stated): ESP Exome Variant Server 0.00008; TOPMed 0.00011; gnomAD 0.00021; gnomAD exomes 0.00029; 1000 Genomes Project 30x 0.00078; ExAC 0.00080; 1000 Genomes Project 0.00100.
gnomAD v4.1: 454 of 1,613,866 alleles (0.028%); highest among the groups gnomAD compares: South Asian, 0.42%; 8 homozygotes.

Submission:

CeGaT Center for Human Genetics Tuebingen
Classification: Likely benign. Last evaluated: 2026-09-01. Review status: criteria provided, single submitter. Criteria: CeGaT Center For Human Genetics Tuebingen Variant Classification Criteria Version 2. Collection method: clinical testing. Allele origin: germline. Affected: yes. Observed: 2 variant alleles.
Comment: MUC5B: BP4, BP7